The following is an entry in ClinVar:

NM_000245.4(MET):c.452C>T (p.Thr151Ile)

Gene: MET (MET proto-oncogene, receptor tyrosine kinase; plus strand). Cytogenetic location: 7q31.2.
Variant type: single nucleotide variant.
Coding change: c.452C>T on transcript NM_000245.4 (MANE Select); coding-DNA position 452, C replaced by T.
Protein change: p.Thr151Ile; replaces threonine 151 with isoleucine.
Molecular consequence: missense variant. On other transcripts: intron variant (1).
Genome position (GRCh38, 1-based): chr7:116,699,536, C>T. VCF-style: chr7-116699536-C-T. GRCh37 (hg19) VCF-style: chr7-116339590-C-T.
Other names: c.452C>T, p.Thr151Ile (NM_001127500.3, NM_001324401.3); c.-91+26959C>T (NM_001324402.2); short protein forms T151I.
Identifiers: ClinVar variation 824975 (VCV000824975.22), dbSNP rs1584876832, ClinGen allele CA368969115.
Genomic context (GRCh38, chr7:116,699,536, plus strand): 5'-TTAGCTGTGGCAGCGTCAACAGAGGGACCTGCCAGCGACATGTCTTTCCCCACAATCATA[C>T]TGCTGACATACAGTCGGAGGTTCACTGCATATTCTCCCCACAGATAGAAGAGCCCAGCCA-3'
Protein context (NP_000236.2, residues 141-161): CQRHVFPHNH[Thr151Ile]ADIQSEVHCI

ClinVar aggregate classification (germline): Conflicting classifications of pathogenicity. Review status: criteria provided, conflicting classifications (1 of 4 stars). 4 submissions from 4 submitters: Uncertain significance (3); Likely benign (1). Last evaluated 2025-09-19.

Conditions:
Renal cell carcinoma. Identifiers: Orphanet 217071, MedGen C0007134, MeSH D002292, MONDO:0005086, HP:0005584.
Hereditary cancer-predisposing syndrome. Also called: Neoplastic Syndromes, Hereditary; Tumor predisposition; Hereditary neoplastic syndrome; Hereditary Cancer Syndrome. Identifiers: Orphanet 140162, MedGen C0027672, MeSH D009386, MONDO:0015356.

Allele frequency attached by ClinVar (database versions not stated): TOPMed 0.00001; gnomAD exomes 0.00001.
gnomAD v4.1: 9 of 1,614,052 alleles (0.00056%); highest among the groups gnomAD compares: Non-Finnish European, 0.00068%; no homozygotes.

Submissions (4):

Labcorp Genetics (formerly Invitae), Labcorp
Classification: Uncertain significance for Renal cell carcinoma. Last evaluated: 2025-09-19. Review status: criteria provided, single submitter. Criteria: Invitae Variant Classification Sherloc (09022015). Collection method: clinical testing. Allele origin: germline.
Comment: This sequence change replaces threonine, which is neutral and polar, with isoleucine, which is neutral and non-polar, at codon 151 of the MET protein (p.Thr151Ile). This variant is not present in population databases (gnomAD no frequency). This variant has not been reported in the literature in individuals affected with MET-related conditions. ClinVar contains an entry for this variant (Variation ID: 824975). An algorithm developed to predict the effect of missense changes on protein structure and function outputs the following: PolyPhen-2: "Benign". The isoleucine amino acid residue is found in multiple mammalian species, which suggests that this missense change does not adversely affect protein function. In summary, the available evidence is currently insufficient to determine the role of this variant in disease. Therefore, it has been classified as a Variant of Uncertain Significance.

GeneDx
Classification: Uncertain significance. Last evaluated: 2025-08-04. Review status: criteria provided, single submitter. Criteria: GeneDx Variant Classification Process June 2021. Collection method: clinical testing. Allele origin: germline. Affected: yes.
Comment: Not observed at significant frequency in large population cohorts (gnomAD); In silico analysis suggests that this missense variant does not alter protein structure/function; Has not been previously published as pathogenic or benign to our knowledge

Center for Genomic Medicine, Rigshospitalet, Copenhagen University Hospital
Classification: Uncertain significance. Last evaluated: 2025-03-04. Review status: criteria provided, single submitter. Criteria: ACMG Guidelines, 2015. Collection method: clinical testing. Allele origin: germline.

Ambry Genetics
Classification: Likely benign for Hereditary cancer-predisposing syndrome. Last evaluated: 2024-03-21. Review status: criteria provided, single submitter. Criteria: Ambry Variant Classification Scheme 2023. Collection method: clinical testing. Allele origin: germline.